The following is an entry in ClinVar:

ClinVar aggregate classification (germline): Conflicting classifications of pathogenicity. Review status: criteria provided, conflicting classifications (1 of 4 stars). 2 submissions from 2 submitters: Uncertain significance (1); Likely benign (1). Last evaluated 2024-03-06.

Conditions:
Hereditary cancer-predisposing syndrome. Also called: Tumor predisposition; Hereditary Cancer Syndrome; Hereditary neoplastic syndrome; Neoplastic Syndromes, Hereditary. Identifiers: Orphanet 140162, MedGen C0027672, MeSH D009386, MONDO:0015356.
Hereditary nonpolyposis colorectal neoplasms. Identifiers: MedGen C0009405, MeSH D003123.

Allele frequency attached by ClinVar (database versions not stated): gnomAD exomes below 0.00001.
gnomAD v4.1: 1 of 1,614,028 alleles (0.000062%); highest among the groups gnomAD compares: Non-Finnish European, 0.000085%; no homozygotes.

Submissions (2):

Ambry Genetics
Classification: Uncertain significance for Hereditary cancer-predisposing syndrome. Last evaluated: 2024-03-06. Review status: criteria provided, single submitter. Criteria: Ambry Variant Classification Scheme 2023. Collection method: clinical testing. Allele origin: germline.
Comment: The p.Y151H variant (also known as c.451T>C), located in coding exon 2 of the MSH6 gene, results from a T to C substitution at nucleotide position 451. The tyrosine at codon 151 is replaced by histidine, an amino acid with similar properties. This amino acid position is highly conserved in available vertebrate species. In addition, the in silico prediction for this alteration is inconclusive. Since supporting evidence is limited at this time, the clinical significance of this alteration remains unclear.

Labcorp Genetics (formerly Invitae), Labcorp
Classification: Likely benign for Hereditary nonpolyposis colorectal neoplasms. Last evaluated: 2023-08-30. Review status: criteria provided, single submitter. Criteria: Invitae Variant Classification Sherloc (09022015). Collection method: clinical testing. Allele origin: germline.

NM_000179.3(MSH6):c.451T>C (p.Tyr151His)

Gene: MSH6 (mutS homolog 6; plus strand). Cytogenetic location: 2p16.3.
Variant type: single nucleotide variant.
Coding change: c.451T>C on transcript NM_000179.3 (MANE Select); coding-DNA position 451, T replaced by C.
Protein change: p.Tyr151His; replaces tyrosine 151 with histidine.
Molecular consequence: missense variant. On other transcripts: 5 prime UTR variant (2), intron variant (1).
Genome position (GRCh38, 1-based): chr2:47,791,117, T>C. VCF-style: chr2-47791117-T-C. GRCh37 (hg19) VCF-style: chr2-48018256-T-C.
Other names: c.-286T>C (NM_001281493.2); c.-452T>C (NM_001281494.2); c.238-7494T>C (NM_001281492.2); short protein forms Y151H.
Identifiers: ClinVar variation 410444 (VCV000410444.9), dbSNP rs1060502904, ClinGen allele CA16611101.